The following is an entry in ClinVar:

ClinVar aggregate classification (germline): Likely benign. Review status: criteria provided, multiple submitters, no conflicts (2 of 4 stars). 3 submissions from 3 submitters: Likely benign (3). Last evaluated 2025-08-08.

Conditions:
MOGS-congenital disorder of glycosylation. Also called: MOGS-CDG; CDG IIb; CDG 2B; GLUCOSIDASE I DEFICIENCY. Identifiers: Orphanet 79330, MedGen C1853736, MONDO:0011629, OMIM 606056.

Allele frequency attached by ClinVar (database versions not stated): gnomAD 0.00001; gnomAD exomes 0.00001 and 0.00005; ExAC 0.00010; TOPMed 0.00015.
gnomAD v4.1: 24 of 1,595,040 alleles (0.0015%); highest among the groups gnomAD compares: Admixed American, 0.021%; no homozygotes.

Submissions (3):

Labcorp Genetics (formerly Invitae), Labcorp
Classification: Likely benign for MOGS-congenital disorder of glycosylation. Last evaluated: 2025-08-08. Review status: criteria provided, single submitter. Criteria: Invitae Variant Classification Sherloc (09022015). Collection method: clinical testing. Allele origin: germline.

GeneDx
Classification: Likely benign. Last evaluated: 2016-10-11. Review status: criteria provided, single submitter. Criteria: GeneDx Variant Classification (06012015). Collection method: clinical testing. Allele origin: germline. Affected: yes.
Comment: This variant is considered likely benign or benign based on one or more of the following criteria: it is a conservative change, it occurs at a poorly conserved position in the protein, it is predicted to be benign by multiple in silico algorithms, and/or has population frequency not consistent with disease.

Breakthrough Genomics
Classification: Likely benign. Review status: criteria provided, single submitter. Criteria: ACMG Guidelines, 2015. Collection method: not provided. Allele origin: germline. Inheritance: Autosomal recessive inheritance. Affected: yes.

NM_006302.3(MOGS):c.297C>T (p.Tyr99=)

Genes: MOGS (mannosyl-oligosaccharide glucosidase; minus strand), LOC129934128 (ATAC-STARR-seq lymphoblastoid silent region 11664; plus strand). Cytogenetic location: 2p13.1.
Variant type: single nucleotide variant.
Coding change: c.297C>T on transcript NM_006302.3 (MANE Select); coding-DNA position 297, C replaced by T.
Protein change: p.Tyr99=; no amino-acid change (tyrosine 99 retained).
Molecular consequence: synonymous variant. On other transcripts: 5 prime UTR variant (1).
Genome position (GRCh38, 1-based): chr2:74,464,951, G>A on the plus strand (C>T on the coding strand, the complement: MOGS is on the minus strand). VCF-style: chr2-74464951-G-A. GRCh37 (hg19) VCF-style: chr2-74692078-G-A.
Other names: c.-22C>T (NM_001146158.2); c.297C>T, p.Tyr99= (LRG_1226t1).
Identifiers: ClinVar variation 389407 (VCV000389407.13), dbSNP rs375679925, ClinGen allele CA1725080.
Genomic context (GRCh38, chr2:74,464,951, plus strand): 5'-GTTACCGGTGAGGAGGGGCTTCGGGCTGCGGGTCTTCATGCCGAAGTAGACGTGAGGGCG[G>A]TAGGTTCCCCAGAAGAGGTCCGGGGCCACGGCGGGGCTGGAGGAGTCGGCAGGCAACACA-3'
Protein context (NP_006293.2, residues 89-109): AVAPDLFWGT[Tyr99=]RPHVYFGMKT